The following is an entry in ClinVar:

NM_000138.5(FBN1):c.1204C>T (p.Pro402Ser)

Gene: FBN1 (fibrillin 1; minus strand). Cytogenetic location: 15q21.1.
Variant type: single nucleotide variant.
Coding change: c.1204C>T on transcript NM_000138.5 (MANE Select); coding-DNA position 1204, C replaced by T.
Protein change: p.Pro402Ser; replaces proline 402 with serine.
Molecular consequence: missense variant.
Genome position (GRCh38, 1-based): chr15:48,516,306, G>A on the plus strand (C>T on the coding strand, the complement: FBN1 is on the minus strand). VCF-style: chr15-48516306-G-A. GRCh37 (hg19) VCF-style: chr15-48808503-G-A.
Other names: c.1204C>T, p.Pro402Ser (NM_001406716.1); short protein forms P402S.
Identifiers: ClinVar variation 3572773 (VCV003572773.1).

ClinVar aggregate classification (germline): Uncertain significance (1 of 4 stars; one submission).

Submission:

GeneDx
Classification: Uncertain significance. Last evaluated: 2024-07-09. Review status: criteria provided, single submitter. Criteria: GeneDx Variant Classification Process June 2021. Collection method: clinical testing. Allele origin: germline. Affected: yes.
Comment: Not observed at significant frequency in large population cohorts (gnomAD); In silico analysis indicates that this missense variant does not alter protein structure/function; Has not been previously published as pathogenic or benign to our knowledge; Does not affect a cysteine or calcium-binding residue within an EGF-like domain or a TGF-binding protein domain of the FBN1 gene; cysteine substitutions in the EGF-like domains represent the majority of pathogenic missense changes associated with FBN1-related disorders (PMID: 12938084); This variant is associated with the following publications: (PMID: 12938084)